The following is an entry in ClinVar:

NM_152263.4(TPM3):c.339G>A (p.Lys113=)

Gene: TPM3 (tropomyosin 3; minus strand). Cytogenetic location: 1q21.3.
Variant type: single nucleotide variant.
Coding change: c.339G>A on transcript NM_152263.4 (MANE Select); coding-DNA position 339, G replaced by A.
Protein change: p.Lys113=; no amino-acid change (lysine 113 retained).
Molecular consequence: synonymous variant. On other transcripts: 5 prime UTR variant (1), non-coding transcript variant (1), intron variant (1).
Genome position (GRCh38, 1-based): chr1:154,176,153, C>T on the plus strand (G>A on the coding strand, the complement: TPM3 is on the minus strand). VCF-style: chr1-154176153-C-T. GRCh37 (hg19) VCF-style: chr1-154148629-C-T.
Other names: c.228G>A, p.Lys76= (NM_001043351.2, NM_001043352.2, NM_001043353.2 and 5 more transcripts); c.-43G>A (NM_001278191.2); c.339G>A, p.Lys113= (NM_001364679.2, NM_001364680.2, NM_001364681.2 and 1 more transcripts); c.69-2952G>A (NM_001278188.2); c.339G>A (NM_152263.3).
Identifiers: ClinVar variation 507236 (VCV000507236.6), dbSNP rs548951753, ClinGen allele CA30776382.
Genomic context (GRCh38, chr1:154,176,153, plus strand): 5'-TCCATCAGGCTTCCCTACACACCTCTCACTCTCATCAGCAGCTTTTTCAGCTTCTTCCAG[C>T]TTTTGCAGGGCAGTGGCCAGGCGCTCCTGAGCACGGTCCAGCTCTTCTTCAACCAGCTGG-3'
Protein context (NP_689476.2, residues 103-123): AQERLATALQ[Lys113=]LEEAEKAADE

ClinVar aggregate classification (germline): Likely benign. Review status: criteria provided, multiple submitters, no conflicts (2 of 4 stars). 3 submissions from 3 submitters: Likely benign (2). 1 of the submissions does not count toward it. Last evaluated 2025-11-03.

Conditions:
TPM3-related disorder. Also called: TPM3-related condition.
Congenital myopathy with fiber type disproportion. Also called: Congenital fiber-type disproportion myopathy; Congenital fiber-type disproportion. Identifiers: Orphanet 2020, MedGen C0546264, MONDO:0009711. Inheritance: all.
Congenital myopathy 4B, autosomal recessive. Also called: Nemaline myopathy 1, autosomal dominant or recessive. Identifiers: Orphanet 171433, Orphanet 171439, Orphanet 171881, MedGen C5829889, MONDO:0012239, OMIM 609284.

Allele frequency attached by ClinVar (database versions not stated): gnomAD exomes below 0.00001 and 0.00001; gnomAD 0.00002; 1000 Genomes Project 30x 0.00016; 1000 Genomes Project 0.00020.
gnomAD v4.1: 6 of 1,614,146 alleles (0.00037%); highest among the groups gnomAD compares: East Asian, 0.013%; no homozygotes.

Submissions (3):

Labcorp Genetics (formerly Invitae), Labcorp
Classification: Likely benign for Congenital myopathy with fiber type disproportion; Congenital myopathy 4B, autosomal recessive. Last evaluated: 2025-11-03. Review status: criteria provided, single submitter. Criteria: Invitae Variant Classification Sherloc (09022015). Collection method: clinical testing. Allele origin: germline.

GeneDx
Classification: Likely benign. Last evaluated: 2017-02-06. Review status: criteria provided, single submitter. Criteria: GeneDx Variant Classification (06012015). Collection method: clinical testing. Allele origin: germline. Affected: yes.
Comment: This variant is considered likely benign or benign based on one or more of the following criteria: it is a conservative change, it occurs at a poorly conserved position in the protein, it is predicted to be benign by multiple in silico algorithms, and/or has population frequency not consistent with disease.

PreventionGenetics, part of Exact Sciences
Classification: Likely benign for TPM3-related condition. Last evaluated: 2019-03-21. Review status: no assertion criteria provided. Collection method: clinical testing. Allele origin: germline. Not counted in ClinVar's aggregate classification.
Comment: This variant is classified as likely benign based on ACMG/AMP sequence variant interpretation guidelines (Richards et al. 2015 PMID: 25741868, with internal and published modifications).